The following is an entry in ClinVar:

NM_001270.4(CHD1):c.3571+5C>T

Gene: CHD1 (chromodomain helicase DNA binding protein 1; minus strand). Cytogenetic location: 5q15.
Variant type: single nucleotide variant.
Coding change: c.3571+5C>T on transcript NM_001270.4 (MANE Select); 5 bases into the intron after coding-DNA position 3571, C replaced by T.
Molecular consequence: intron variant.
Genome position (GRCh38, 1-based): chr5:98,873,588, G>A on the plus strand (C>T on the coding strand, the complement: CHD1 is on the minus strand). VCF-style: chr5-98873588-G-A. GRCh37 (hg19) VCF-style: chr5-98209292-G-A.
Other names: c.3571+5C>T (NM_001376194.2, NM_001364113.3).
Identifiers: ClinVar variation 1699377 (VCV001699377.3), dbSNP rs2112334290, ClinGen allele CA2573130293.
Genomic context (GRCh38, chr5:98,873,588, plus strand): 5'-TCAATAAAGCATATTTTGAAGCTTTCATTTACTTCTCTTTTAAATCACTCTCAGTTTAAT[G>A]TTACCTGTTCGTTCTGTTCCTGAAGAACTATCCTTTAATGCTTTAATGCAACCATTATGT-3'

ClinVar aggregate classification (germline): Uncertain significance (1 of 4 stars; one submission).

Conditions:
Pilarowski-Bjornsson syndrome. Also called: DEVELOPMENTAL DELAY AND SPEECH APRAXIA WITH OR WITHOUT SEIZURES. Identifiers: Orphanet 529965, MedGen C4540131, MONDO:0060568, OMIM 617682.

Allele frequency attached by ClinVar (database versions not stated): gnomAD exomes 0.00001.
gnomAD v4.1: 7 of 1,581,732 alleles (0.00044%); highest among the groups gnomAD compares: Non-Finnish European, 0.0006%; no homozygotes.

Submission:

Victorian Clinical Genetics Services, Murdoch Childrens Research Institute
Classification: Uncertain significance for Pilarowski-Bjornsson syndrome. Last evaluated: 2022-06-24. Review status: criteria provided, single submitter. Criteria: ACMG Guidelines, 2015. Collection method: clinical testing. Allele origin: germline. Inheritance: Autosomal dominant inheritance.
Comment: Based on the classification scheme VCGS_Germline_v1.3.4, this variant is classified as VUS-3C. Following criteria are met: 0105 - The mechanism of disease for this gene is not clearly established. However, dominant negative is a suggested mechanism of disease (PMID: 28866611). (I) 0107 - This gene is associated with autosomal dominant disease. (I) 0212 - Non-canonical splice site variant without proven consequence on splicing (no functional evidence available). (SP) 0251 - This variant is heterozygous. (I) 0301 - Variant is absent from gnomAD (both v2 and v3). (SP) 0506 - Abnormal splicing is not predicted and nucleotide is poorly conserved. (SB) 0705 - No comparable splice variants have previous evidence for pathogenicity. (I) 0807 - This variant has no previous evidence of pathogenicity. (I) 0905 - No published segregation evidence has been identified for this variant. (I) 1007 - No published functional evidence has been identified for this variant. (I) 1208 - Inheritance information for this variant is not currently available in this individual. (I) Legend: (SP) - Supporting pathogenic, (I) - Information, (SB) - Supporting benign

Literature cited by the submitters: PubMed 28866611.